The following is an entry in ClinVar:

NM_002968.3(SALL1):c.1324del (p.Ser442fs)

Gene: SALL1 (spalt like transcription factor 1; minus strand). Cytogenetic location: 16q12.1.
Variant type: Deletion.
Coding change: c.1324del on transcript NM_002968.3 (MANE Select); coding-DNA position 1324, one base deleted (T; older notation c.1324delT).
Protein change: p.Ser442fs; shifts the reading frame from serine 442.
Molecular consequence: frameshift variant.
Genome position (GRCh38, 1-based): chr16:51,140,898, A deleted on the plus strand (T on the coding strand, the reverse complement: SALL1 is on the minus strand); the first of 2 consecutive A bases (chr16:51,140,898-51,140,899); deleting either gives the same sequence. VCF-style (leftmost placement, unchanged base first): chr16-51140897-GA-G. GRCh37 (hg19) VCF-style: chr16-51174808-GA-G.
Other names: c.1033del, p.Ser345fs (NM_001127892.2); c.1324delT (NM_002968.2); short protein forms S345fs, S442fs.
Identifiers: ClinVar variation 648831 (VCV000648831.9), dbSNP rs1597230288, ClinGen allele CA915949263.

ClinVar aggregate classification (germline): Pathogenic (1 of 4 stars; one submission).

Conditions:
Townes syndrome (TBS). Also called: Townes-Brocks syndrome. Identifiers: Orphanet 857, MedGen C0265246, MeSH C536974, MONDO:0007142.

Submission:

Labcorp Genetics (formerly Invitae), Labcorp
Classification: Pathogenic for Townes syndrome. Last evaluated: 2018-07-02. Review status: criteria provided, single submitter. Criteria: Invitae Variant Classification Sherloc (09022015). Collection method: clinical testing. Allele origin: germline.
Comment: This variant is not present in population databases (ExAC no frequency). This sequence change creates a premature translational stop signal (p.Ser442Profs*51) in the SALL1 gene. It is expected to result in an absent or disrupted protein product. This variant has not been reported in the literature in individuals with SALL1-related disease. Loss-of-function variants in SALL1 are known to be pathogenic (PMID: 9973281, 16088922, 23069192). For these reasons, this variant has been classified as Pathogenic.

Literature cited by the submitters: PubMed 9973281; PubMed 16088922; PubMed 23069192.